The following is an entry in ClinVar:

NM_012418.4(FSCN2):c.1105G>C (p.Gly369Arg)

Gene: FSCN2 (fascin actin-bundling protein 2, retinal; plus strand). Cytogenetic location: 17q25.3.
Variant type: single nucleotide variant.
Coding change: c.1105G>C on transcript NM_012418.4 (MANE Select); coding-DNA position 1105, G replaced by C.
Protein change: p.Gly369Arg; replaces glycine 369 with arginine.
Molecular consequence: missense variant.
Genome position (GRCh38, 1-based): chr17:81,536,267, G>C. VCF-style: chr17-81536267-G-C. GRCh37 (hg19) VCF-style: chr17-79503293-G-C.
Other names: c.1105G>C, p.Gly369Arg (NM_001077182.3); short protein forms G369R.
Identifiers: ClinVar variation 2975874 (VCV002975874.3), dbSNP rs376938035, ClinGen allele CA8836959.

ClinVar aggregate classification (germline): Uncertain significance (1 of 4 stars; one submission).

Submission:

Labcorp Genetics (formerly Invitae), Labcorp
Classification: Uncertain significance. Last evaluated: 2022-11-08. Review status: criteria provided, single submitter. Criteria: Invitae Variant Classification Sherloc (09022015). Collection method: clinical testing. Allele origin: germline.
Comment: This variant has not been reported in the literature in individuals affected with FSCN2-related conditions. This variant is present in population databases (rs376938035, gnomAD 0.001%). This sequence change replaces glycine, which is neutral and non-polar, with arginine, which is basic and polar, at codon 369 of the FSCN2 protein (p.Gly369Arg). This variant also falls at the last nucleotide of exon 3, which is part of the consensus splice site for this exon. Algorithms developed to predict the effect of missense changes on protein structure and function are either unavailable or do not agree on the potential impact of this missense change (SIFT: "Deleterious"; PolyPhen-2: "Benign"; Align-GVGD: "Class C15"). In summary, the available evidence is currently insufficient to determine the role of this variant in disease. Therefore, it has been classified as a Variant of Uncertain Significance. Variants that disrupt the consensus splice site are a relatively common cause of aberrant splicing (PMID: 17576681, 9536098). Algorithms developed to predict the effect of sequence changes on RNA splicing suggest that this variant may disrupt the consensus splice site.

Literature cited by the submitters: PubMed 17576681; PubMed 9536098.